The following is an entry in ClinVar:

ClinVar aggregate classification (germline): Uncertain significance (1 of 4 stars; one submission).

Allele frequency attached by ClinVar (database versions not stated): gnomAD exomes below 0.00001; TOPMed below 0.00001.
gnomAD v4.1: 1 of 1,596,344 alleles (0.000063%); highest among the groups gnomAD compares: Non-Finnish European, 0.000085%; no homozygotes.

Submission:

CeGaT Center for Human Genetics Tuebingen
Classification: Uncertain significance. Last evaluated: 2022-12-01. Review status: criteria provided, single submitter. Criteria: CeGaT Center For Human Genetics Tuebingen Variant Classification Criteria Version 2. Collection method: clinical testing. Allele origin: germline. Affected: yes. Observed: 1 variant allele.
Comment: NARS1: PM2, PP3

NM_004539.4(NARS1):c.94-2A>G

Gene: NARS1 (asparaginyl-tRNA synthetase 1; minus strand). Cytogenetic location: 18q21.31.
Variant type: single nucleotide variant.
Coding change: c.94-2A>G on transcript NM_004539.4 (MANE Select); the canonical splice acceptor site of the intron before coding-DNA position 94, A replaced by G.
Molecular consequence: splice acceptor variant.
Genome position (GRCh38, 1-based): chr18:57,615,977, T>C on the plus strand (A>G on the coding strand, the complement: NARS1 is on the minus strand). VCF-style: chr18-57615977-T-C. GRCh37 (hg19) VCF-style: chr18-55283209-T-C.
Identifiers: ClinVar variation 1879401 (VCV001879401.29), dbSNP rs1908012802, ClinGen allele CA402554272.